The following is an entry in ClinVar:

NM_000257.4(MYH7):c.2605CGC[1] (p.Arg870del)

Genes: MYH7 (myosin heavy chain 7; minus strand), LOC126861898 (BRD4-independent group 4 enhancer GRCh37_chr14:23893609-23894808; plus strand). Cytogenetic location: 14q11.2.
Variant type: Microsatellite.
Coding change: c.2605CGC[1] on transcript NM_000257.4 (MANE Select); one copy of the 3-base unit CGC starting at c.2605; the reference has two copies in a row; one copy, 3 bases deleted.
Protein change: p.Arg870del; deletes arginine 870.
Molecular consequence: inframe deletion.
Genome position (GRCh38, 1-based): chr14:23,424,838-23,424,840, GCG deleted on the plus strand (CGC on the coding strand, the reverse complement: MYH7 is on the minus strand); deleting any 3 consecutive bases within chr14:23,424,838-23,424,843 gives the same sequence; the position shown is the placement nearest the transcript's 3' end. VCF-style (leftmost placement, unchanged base first): chr14-23424837-TGCG-T. GRCh37 (hg19) VCF-style: chr14-23894046-TGCG-T.
Other names: short protein forms R870del.
Identifiers: ClinVar variation 1519501 (VCV001519501.8), dbSNP rs2138665581, ClinGen allele CA2580616571.
Genomic context (GRCh38, chr14:23,424,837, plus strand): 5'-CTTGGAGCTGCAGGTCATTCTTCTCCTGCAGCAGGGACACCATCTTCTCCTCCAGCTCCT[TGCG>T]GCGAGCCTCGGACTTCTCTAGCGCCTCTTTGAGGCGTGTGAACTCCTCCTTCATGGAGGC-3'

ClinVar aggregate classification (germline): Uncertain significance (1 of 4 stars; one submission).

Conditions:
Hypertrophic cardiomyopathy. Also called: HYPERTROPHIC MYOCARDIOPATHY. Identifiers: Orphanet 217569, MedGen C0007194, MeSH D002312, MONDO:0005045, HP:0001639.

Submission:

Labcorp Genetics (formerly Invitae), Labcorp
Classification: Uncertain significance for Hypertrophic cardiomyopathy. Last evaluated: 2021-03-25. Review status: criteria provided, single submitter. Criteria: Invitae Variant Classification Sherloc (09022015). Collection method: clinical testing. Allele origin: germline.
Comment: This variant, c.2608_2610del, results in the deletion of 1 amino acid(s) of the MYH7 protein (p.Arg870del), but otherwise preserves the integrity of the reading frame. This variant is not present in population databases (ExAC no frequency). This variant has been observed in individual(s) with hypertrophic cardiomyopathy (Invitae). This variant disrupts the p.Arg870 amino acid residue in MYH7. Other variant(s) that disrupt this residue have been determined to be pathogenic (PMID: 12974739, 17703256, 21674835, 19150014, 24111713, 7796500, 10725281, 23283745, 22429680, 23816408, 17125710, 20031618, 27532257). This suggests that this residue is clinically significant, and that variants that disrupt this residue are likely to be disease-causing. In summary, the available evidence is currently insufficient to determine the role of this variant in disease. Therefore, it has been classified as a Variant of Uncertain Significance.

Literature cited by the submitters: PubMed 12974739; PubMed 17703256; PubMed 21674835; PubMed 19150014; PubMed 24111713; PubMed 7796500; PubMed 10725281; PubMed 23283745; PubMed 22429680; PubMed 23816408; PubMed 17125710; PubMed 20031618; PubMed 27532257.